The following is an entry in ClinVar:

NM_001371417.1(IL17REL):c.1431G>T (p.Pro477=)

Gene: IL17REL (interleukin 17 receptor E like; minus strand). Cytogenetic location: 22q13.33.
Variant type: single nucleotide variant.
Coding change: c.1431G>T on transcript NM_001371417.1 (MANE Select); coding-DNA position 1431, G replaced by T.
Protein change: p.Pro477=; no amino-acid change (proline 477 retained).
Molecular consequence: synonymous variant. On other transcripts: 3 prime UTR variant (2).
Genome position (GRCh38, 1-based): chr22:49,996,768, C>A on the plus strand (G>T on the coding strand, the complement: IL17REL is on the minus strand). VCF-style: chr22-49996768-C-A. GRCh37 (hg19) VCF-style: chr22-50435197-C-A.
Other names: c.*137G>T (NM_001001694.3, NM_001371416.1).
Identifiers: ClinVar variation 2653357 (VCV002653357.24), dbSNP rs541077021, ClinGen allele CA2657463163.
Genomic context (GRCh38, chr22:49,996,768, plus strand): 5'-CAGTCTCCTGTTCAGTGCACGCCACGCCCAGCCTGCCGTGGGAGGCCTAGGTCTAGTCCT[C>A]GGCCTCCTGCGGCCCCTGAGAGATGGGCACCCACTGGAGCGGAGGTTGCAGAGCTGCTGG-3'
Protein context (NP_001358346.1, residues 467-487): GCPSLRGRRR[Pro477=]RTRPRPPTAG

ClinVar aggregate classification (germline): Likely benign (1 of 4 stars; one submission).

Submission:

CeGaT Center for Human Genetics Tuebingen
Classification: Likely benign. Last evaluated: 2023-10-01. Review status: criteria provided, single submitter. Criteria: CeGaT Center For Human Genetics Tuebingen Variant Classification Criteria Version 2. Collection method: clinical testing. Allele origin: germline. Affected: yes. Observed: 1 variant allele.
Comment: IL17REL: PM2:Supporting, BP4, BP7